The following is an entry in ClinVar:

NM_000038.6(APC):c.4319dup (p.Pro1441fs)

Gene: APC (APC regulator of Wnt signaling pathway; plus strand). Cytogenetic location: 5q22.2.
Variant type: Duplication.
Coding change: c.4319dup on transcript NM_000038.6 (MANE Select); coding-DNA position 4319, one base duplicated (C; older notation c.4319dupC).
Protein change: p.Pro1441fs; shifts the reading frame from proline 1441.
Molecular consequence: frameshift variant. On other transcripts: non-coding transcript variant (2).
Genome position (GRCh38, 1-based): chr5:112,839,913, C duplicated; the last of 2 consecutive C bases (chr5:112,839,912-112,839,913); duplicating either gives the same sequence. VCF-style (leftmost placement, unchanged base first): chr5-112839911-T-TC. GRCh37 (hg19) VCF-style: chr5-112175608-T-TC.
Other names: c.4349dup, p.Pro1451fs (NM_001354897.2); c.4244dup, p.Pro1416fs (NM_001354898.2); c.4319dup, p.Pro1441fs (NM_001127510.3, NM_001354895.2, NM_001407450.1); c.4373dup, p.Pro1459fs (NM_001354896.2, NM_001407447.1, NM_001407448.1 and 1 more transcripts); c.4265dup, p.Pro1423fs (NM_001127511.3); c.4235dup, p.Pro1413fs (NM_001354899.2); c.4196dup, p.Pro1400fs (NM_001354900.2); c.4142dup, p.Pro1382fs (NM_001354901.2, NM_001407453.1); and 11 more; short protein forms P1057fs, P1158fs, P1281fs, P1312fs, P1315fs, P1340fs, P1350fs, P1358fs.
Identifiers: ClinVar variation 2583670 (VCV002583670.2), dbSNP rs1131691145, ClinGen allele CA1139771164.

ClinVar aggregate classification (germline): Pathogenic (1 of 4 stars; one submission).

Conditions:
Familial adenomatous polyposis 1 (FAP1). Also called: POLYPOSIS, ADENOMATOUS INTESTINAL; FAMILIAL ADENOMATOUS POLYPOSIS 1, ATTENUATED. Identifiers: MedGen C2713442, MONDO:0021056, OMIM 175100. Disease mechanism: loss of function.

Submission:

Myriad Genetics, Inc.
Classification: Pathogenic for Familial adenomatous polyposis 1. Last evaluated: 2023-05-10. Review status: criteria provided, single submitter. Criteria: Myriad Autosomal Dominant, Autosomal Recessive and X-Linked Classification Criteria (2023). Collection method: clinical testing. Allele origin: unknown.
Comment: This variant is considered pathogenic. This variant creates a frameshift predicted to result in premature protein truncation.